The following is an entry in ClinVar:

ClinVar aggregate classification (germline): Uncertain significance. Review status: criteria provided, multiple submitters, no conflicts (2 of 4 stars). 2 submissions from 2 submitters: Uncertain significance (2). Last evaluated 2025-10-07.

Conditions:
TET2-related disorder. Also called: TET2-related condition.

Allele frequency attached by ClinVar (database versions not stated): TOPMed 0.00001; gnomAD 0.00002.
gnomAD v4.1: 19 of 1,551,412 alleles (0.0012%); highest among the groups gnomAD compares: Admixed American, 0.0039%; no homozygotes.

Submissions (2):

Labcorp Genetics (formerly Invitae), Labcorp
Classification: Uncertain significance. Last evaluated: 2025-10-07. Review status: criteria provided, single submitter. Criteria: Invitae Variant Classification Sherloc (09022015). Collection method: clinical testing. Allele origin: germline.
Comment: This sequence change replaces serine, which is neutral and polar, with leucine, which is neutral and non-polar, at codon 1246 of the TET2 protein (p.Ser1246Leu). This variant is not present in population databases (gnomAD no frequency). This variant has not been reported in the literature in individuals affected with TET2-related conditions. ClinVar contains an entry for this variant (Variation ID: 2633660). An algorithm developed to predict the effect of missense changes on protein structure and function outputs the following: PolyPhen-2: "Benign". The leucine amino acid residue is found in multiple mammalian species, which suggests that this missense change does not adversely affect protein function. In summary, the available evidence is currently insufficient to determine the role of this variant in disease. Therefore, it has been classified as a Variant of Uncertain Significance.

PreventionGenetics, part of Exact Sciences
Classification: Uncertain significance for TET2-related condition. Last evaluated: 2023-07-19. Review status: criteria provided, single submitter. Criteria: ACMG Guidelines, 2015. Collection method: clinical testing. Allele origin: germline.
Comment: The TET2 c.3737C>T variant is predicted to result in the amino acid substitution p.Ser1246Leu. To our knowledge, this variant has not been reported in the literature or in a large population database, indicating this variant is rare. At this time, the clinical significance of this variant is uncertain due to the absence of conclusive functional and genetic evidence.

NM_001127208.3(TET2):c.3737C>T (p.Ser1246Leu)

Genes: TET2 (tet methylcytosine dioxygenase 2; plus strand), TET2-AS1 (TET2 antisense RNA 1; minus strand). Cytogenetic location: 4q24.
Variant type: single nucleotide variant.
Coding change: c.3737C>T on transcript NM_001127208.3 (MANE Select); coding-DNA position 3737, C replaced by T.
Protein change: p.Ser1246Leu; replaces serine 1246 with leucine.
Molecular consequence: missense variant.
Genome position (GRCh38, 1-based): chr4:105,243,712, C>T. VCF-style: chr4-105243712-C-T. GRCh37 (hg19) VCF-style: chr4-106164869-C-T.
Other names: short protein forms S1246L.
Identifiers: ClinVar variation 2633660 (VCV002633660.2), dbSNP rs1197479219, ClinGen allele CA357805231.